The following is an entry in ClinVar:

ClinVar aggregate classification (germline): Pathogenic (1 of 4 stars; one submission).

Conditions:
Cone dystrophy with supernormal rod response (CDSRR). Also called: CONE DYSTROPHY WITH SUPERNORMAL ROD RESPONSES. Identifiers: Orphanet 209932, MedGen C1835897, MONDO:0012475, OMIM 610356.

Submission:

First Genomix Gene Laboratory, Genetic Diagnostics Department
Classification: Pathogenic for Cone dystrophy with supernormal rod response. Last evaluated: 2025-08-28. Review status: criteria provided, single submitter. Criteria: ACMG Guidelines, 2015. Collection method: clinical testing. Allele origin: germline. Inheritance: Autosomal recessive inheritance. Affected: no. Observed: 1 variant allele.

NM_133497.4(KCNV2):c.741_742delinsAC (p.Trp247_Asn248delinsTer)

Gene: KCNV2 (potassium voltage-gated channel modifier subfamily V member 2; plus strand). Cytogenetic location: 9p24.2.
Variant type: Indel.
Coding change: c.741_742delinsAC on transcript NM_133497.4 (MANE Select); coding-DNA positions 741 to 742, GA replaced by AC.
Protein change: p.Trp247_Asn248delinsTer.
Molecular consequence: nonsense.
Genome position (GRCh38, 1-based): chr9:2,718,480-2,718,481, GA replaced by AC. VCF-style: chr9-2718480-GA-AC. GRCh37 (hg19) VCF-style: chr9-2718480-GA-AC.
Identifiers: ClinVar variation 4850246 (VCV004850246.1).